The following is an entry in ClinVar:

ClinVar aggregate classification (germline): Uncertain significance (1 of 4 stars; one submission).

Conditions:
Dilated cardiomyopathy 1AA (CMD1AA). Also called: CARDIOMYOPATHY, DILATED, 1AA, WITH OR WITHOUT LEFT VENTRICULAR NONCOMPACTION; CARDIOMYOPATHY, FAMILIAL HYPERTROPHIC, 23, WITH OR WITHOUT LEFT VENTRICULAR NONCOMPACTION; Cardiomyopathy, dilated, 1AA, with or without LVNC. Identifiers: Orphanet 154, MedGen C2677338, MONDO:0012808, OMIM 612158.
Primary familial hypertrophic cardiomyopathy (HCM). Identifiers: Orphanet 99739, MedGen C0949658, MeSH D024741, MONDO:0024573. Inheritance: Various modes of inheritance.

Allele frequency attached by ClinVar (database versions not stated): gnomAD exomes below 0.00001.

Submission:

Labcorp Genetics (formerly Invitae), Labcorp
Classification: Uncertain significance for Primary familial hypertrophic cardiomyopathy; Dilated cardiomyopathy 1AA. Last evaluated: 2025-12-14. Review status: criteria provided, single submitter. Criteria: Invitae Variant Classification Sherloc (09022015). Collection method: clinical testing. Allele origin: germline.
Comment: This sequence change affects the initiator codon of the ACTN2 mRNA. This change may impact translation initiation or efficiency. The next in-frame methionine is located at codon 20. This variant is not present in population databases (gnomAD no frequency). This variant has not been reported in the literature in individuals affected with ACTN2-related conditions. ClinVar contains an entry for this variant (Variation ID: 1937479). Experimental studies and prediction algorithms are not available or were not evaluated, and the functional significance of this variant is currently unknown. In summary, the available evidence is currently insufficient to determine the role of this variant in disease. Therefore, it has been classified as a Variant of Uncertain Significance.

NM_001103.4(ACTN2):c.1A>G (p.Met1Val)

Gene: ACTN2 (actinin alpha 2; plus strand). Cytogenetic location: 1q43.
Variant type: single nucleotide variant.
Coding change: c.1A>G on transcript NM_001103.4 (MANE Select); coding-DNA position 1, A replaced by G.
Protein change: p.Met1Val; changes the start codon (methionine 1).
Molecular consequence: missense variant, initiator codon variant. On other transcripts: 5 prime UTR variant (1).
Genome position (GRCh38, 1-based): chr1:236,686,674, A>G. VCF-style: chr1-236686674-A-G. GRCh37 (hg19) VCF-style: chr1-236849974-A-G.
Other names: c.1A>G, p.Met1Val (NM_001278343.2); c.-821A>G (NM_001278344.2); c.-946A>G (NM_001412150.1); short protein forms M1V.
Identifiers: ClinVar variation 1937479 (VCV001937479.6), dbSNP rs2527437803, ClinGen allele CA345358000.